The following is an entry in ClinVar:

NM_144701.3(IL23R):c.1812G>C (p.Glu604Asp)

Gene: IL23R (interleukin 23 receptor; plus strand). Cytogenetic location: 1p31.3.
Variant type: single nucleotide variant.
Coding change: c.1812G>C on transcript NM_144701.3 (MANE Select); coding-DNA position 1812, G replaced by C.
Protein change: p.Glu604Asp; replaces glutamic acid 604 with aspartic acid.
Molecular consequence: missense variant.
Genome position (GRCh38, 1-based): chr1:67,259,050, G>C. VCF-style: chr1-67259050-G-C. GRCh37 (hg19) VCF-style: chr1-67724733-G-C.
Other names: short protein forms E604D.
Identifiers: ClinVar variation 2982894 (VCV002982894.3), dbSNP rs1250866602, ClinGen allele CA340729720.

ClinVar aggregate classification (germline): Uncertain significance (1 of 4 stars; one submission).

Allele frequency attached by ClinVar (database versions not stated): gnomAD exomes below 0.00001; TOPMed 0.00001.
gnomAD v4.1: 4 of 1,613,940 alleles (0.00025%); highest among the groups gnomAD compares: Admixed American, 0.0033%; no homozygotes.

Submission:

Labcorp Genetics (formerly Invitae), Labcorp
Classification: Uncertain significance. Last evaluated: 2024-08-29. Review status: criteria provided, single submitter. Criteria: Invitae Variant Classification Sherloc (09022015). Collection method: clinical testing. Allele origin: germline.
Comment: This sequence change replaces glutamic acid, which is acidic and polar, with aspartic acid, which is acidic and polar, at codon 604 of the IL23R protein (p.Glu604Asp). This variant is present in population databases (no rsID available, gnomAD 0.003%). This variant has not been reported in the literature in individuals affected with IL23R-related conditions. An algorithm developed to predict the effect of missense changes on protein structure and function outputs the following: PolyPhen-2: "Possibly Damaging". The aspartic acid amino acid residue is found in multiple mammalian species, which suggests that this missense change does not adversely affect protein function. In summary, the available evidence is currently insufficient to determine the role of this variant in disease. Therefore, it has been classified as a Variant of Uncertain Significance.